The following is an entry in ClinVar:

ClinVar aggregate classification (germline): Likely benign. Review status: criteria provided, single submitter (1 of 4 stars). 2 submissions from 2 submitters: Likely benign (1). 1 of the submissions does not count toward it. Last evaluated 2024-04-22.

Conditions:
WNT2B-related disorder. Also called: WNT2B-related condition.

Allele frequency attached by ClinVar (database versions not stated): gnomAD 0.00004; TOPMed 0.00005; ESP Exome Variant Server 0.00008.
gnomAD v4.1: 123 of 1,613,894 alleles (0.0076%); highest among the groups gnomAD compares: Non-Finnish European, 0.0093%; no homozygotes.

Submissions (2):

Labcorp Genetics (formerly Invitae), Labcorp
Classification: Likely benign. Last evaluated: 2024-04-22. Review status: criteria provided, single submitter. Criteria: Invitae Variant Classification Sherloc (09022015). Collection method: clinical testing. Allele origin: germline.

PreventionGenetics, part of Exact Sciences
Classification: Likely benign for WNT2B-related condition. Last evaluated: 2023-09-08. Review status: no assertion criteria provided. Collection method: clinical testing. Allele origin: germline. Not counted in ClinVar's aggregate classification.
Comment: This variant is classified as likely benign based on ACMG/AMP sequence variant interpretation guidelines (Richards et al. 2015 PMID: 25741868, with internal and published modifications).

NM_024494.3(WNT2B):c.456C>T (p.His152=)

Gene: WNT2B (Wnt family member 2B; plus strand). Cytogenetic location: 1p13.2.
Variant type: single nucleotide variant.
Coding change: c.456C>T on transcript NM_024494.3 (MANE Select); coding-DNA position 456, C replaced by T.
Protein change: p.His152=; no amino-acid change (histidine 152 retained).
Molecular consequence: synonymous variant.
Genome position (GRCh38, 1-based): chr1:112,516,192, C>T. VCF-style: chr1-112516192-C-T. GRCh37 (hg19) VCF-style: chr1-113058814-C-T.
Other names: c.180C>T, p.His60= (NM_001291880.1); c.399C>T, p.His133= (NM_004185.4); c.456C>T (NM_024494.2).
Identifiers: ClinVar variation 2173640 (VCV002173640.6), dbSNP rs137855546, ClinGen allele CA1008265.